The following is an entry in ClinVar:

ClinVar aggregate classification (germline): Uncertain significance. Review status: criteria provided, multiple submitters, no conflicts (2 of 4 stars). 4 submissions from 4 submitters: Uncertain significance (4). Last evaluated 2025-01-23.

Conditions:
Hereditary spastic paraplegia 43. Also called: Spastic paraplegia 43, autosomal recessive. Identifiers: Orphanet 320370, MedGen C2680446, MONDO:0014024, OMIM 615043.

gnomAD v4.1: 198 of 1,614,008 alleles (0.012%); highest among the groups gnomAD compares: Non-Finnish European, 0.015%; no homozygotes.

Submissions (4):

Women's Health and Genetics/Laboratory Corporation of America, LabCorp
Classification: Uncertain significance. Last evaluated: 2025-01-23. Review status: criteria provided, single submitter. Criteria: LabCorp Variant Classification Summary - May 2015. Collection method: clinical testing. Allele origin: germline.
Comment: Variant summary: C19orf12 c.161G>C (p.Gly54Ala) results in a non-conservative amino acid change in the encoded protein sequence. Three of three in-silico tools predict a damaging effect of the variant on protein function. Several computational tools predict a significant impact on normal splicing: Three predict the variant weakens a 3' acceptor site whereas one predicts the variant has no significant impact on splicing. However, these predictions have yet to be confirmed by functional studies. The variant allele was found at a frequency of 7.2e-05 in 249090 control chromosomes. This frequency is not significantly higher than estimated for a pathogenic variant in C19orf12 causing Neurodegeneration With Brain Iron Accumulation (7.2e-05 vs 0.0006), allowing no conclusion about variant significance. To our knowledge, no occurrence of c.161G>C in individuals affected with Neurodegeneration With Brain Iron Accumulation and no experimental evidence demonstrating its impact on protein function have been reported. Two other variants affecting the same base pair have been associated with pathogenicity in ClinVar (c.161G>A (p.Gly54Glu) and c.161G>T (p.Gly54Val)), however enough evidence is not available at this time to determine role of this variant in disease. ClinVar contains an entry for this variant (Variation ID: 1195848). Based on the evidence outlined above, the variant was classified as uncertain significance.

Mayo Clinic Laboratories, Mayo Clinic
Classification: Uncertain significance. Last evaluated: 2024-11-11. Review status: criteria provided, single submitter. Criteria: ACMG Guidelines, 2015. Collection method: clinical testing. Allele origin: germline. Observed: 1 variant allele.
Comment: PP3

Labcorp Genetics (formerly Invitae), Labcorp
Classification: Uncertain significance for Hereditary spastic paraplegia 43. Last evaluated: 2024-08-07. Review status: criteria provided, single submitter. Criteria: Invitae Variant Classification Sherloc (09022015). Collection method: clinical testing. Allele origin: germline.
Comment: This sequence change replaces glycine, which is neutral and non-polar, with alanine, which is neutral and non-polar, at codon 65 of the C19orf12 protein (p.Gly65Ala). This variant is present in population databases (rs752450983, gnomAD 0.02%). This variant has not been reported in the literature in individuals affected with C19orf12-related conditions. ClinVar contains an entry for this variant (Variation ID: 1195848). An algorithm developed to predict the effect of missense changes on protein structure and function (PolyPhen-2) suggests that this variant is likely to be disruptive. This variant disrupts the p.Gly65 amino acid residue in C19orf12. Other variant(s) that disrupt this residue have been determined to be pathogenic (PMID: 21981780, 23269600, 31087512). This suggests that this residue is clinically significant, and that variants that disrupt this residue are likely to be disease-causing. In summary, the available evidence is currently insufficient to determine the role of this variant in disease. Therefore, it has been classified as a Variant of Uncertain Significance.

GeneDx
Classification: Uncertain significance. Last evaluated: 2019-08-06. Review status: criteria provided, single submitter. Criteria: GeneDx Variant Classification Process June 2021. Collection method: clinical testing. Allele origin: germline. Affected: yes.
Comment: In silico analysis, which includes protein predictors and evolutionary conservation, supports a deleterious effect; Has not been previously published as pathogenic or benign to our knowledge

Literature cited by the submitters: PubMed 37024536 (cited by Mayo Clinic Laboratories, Mayo Clinic); PubMed 21981780 (cited by Labcorp Genetics (formerly Invitae), Labcorp); PubMed 23269600 (cited by Labcorp Genetics (formerly Invitae), Labcorp); PubMed 31087512 (cited by Labcorp Genetics (formerly Invitae), Labcorp).

NM_031448.6(C19orf12):c.161G>C (p.Gly54Ala)

Gene: C19orf12 (chromosome 19 open reading frame 12; minus strand). Cytogenetic location: 19q12.
Variant type: single nucleotide variant.
Coding change: c.161G>C on transcript NM_031448.6 (MANE Select); coding-DNA position 161, G replaced by C.
Protein change: p.Gly54Ala; replaces glycine 54 with alanine.
Molecular consequence: missense variant. On other transcripts: 5 prime UTR variant (3).
Genome position (GRCh38, 1-based): chr19:29,702,977, C>G on the plus strand (G>C on the coding strand, the complement: C19orf12 is on the minus strand). VCF-style: chr19-29702977-C-G. GRCh37 (hg19) VCF-style: chr19-30193884-C-G.
Other names: p.Gly65Ala; c.161G>C, p.Gly54Ala (NM_001031726.4, NM_001256046.3, NM_001256047.2); c.-32G>C (NM_001282929.1, NM_001282930.3, NM_001282931.3); short protein forms G54A.
Identifiers: ClinVar variation 1195848 (VCV001195848.10), dbSNP rs752450983, ClinGen allele CA9351929.